The following is an entry in ClinVar:

NM_000465.4(BARD1):c.1903+1933C>G

Gene: BARD1 (BRCA1 associated RING domain 1; minus strand). Cytogenetic location: 2q35.
Variant type: single nucleotide variant.
Coding change: c.1903+1933C>G on transcript NM_000465.4 (MANE Select); 1933 bases into the intron after coding-DNA position 1903, C replaced by G.
Molecular consequence: intron variant.
Genome position (GRCh38, 1-based): chr2:214,743,134, G>C on the plus strand (C>G on the coding strand, the complement: BARD1 is on the minus strand). VCF-style: chr2-214743134-G-C. GRCh37 (hg19) VCF-style: chr2-215607858-G-C.
Other names: c.493+1933C>G (NM_001282548.2); c.1846+1933C>G (NM_001282543.2); c.550+1933C>G (NM_001282545.2); c.365-12626C>G (NM_001282549.2).
Identifiers: ClinVar variation 2033398 (VCV002033398.4), dbSNP rs545674283, ClinGen allele CA64801048.

ClinVar aggregate classification (germline): Uncertain significance (1 of 4 stars; one submission).

Conditions:
Familial cancer of breast. Also called: BREAST CANCER, FAMILIAL; Hereditary breast cancer; hereditary breast carcinoma. Identifiers: Orphanet 227535, MedGen C0346153, MONDO:0016419, OMIM 114480. Disease mechanism: loss of function.

Allele frequency attached by ClinVar (database versions not stated): gnomAD 0.00002; TOPMed 0.00002.
gnomAD v4.1: 3 of 152,284 alleles (0.002%); highest among the groups gnomAD compares: East Asian, 0.039%; no homozygotes.

Submission:

Labcorp Genetics (formerly Invitae), Labcorp
Classification: Uncertain significance for Familial cancer of breast. Last evaluated: 2026-01-13. Review status: criteria provided, single submitter. Criteria: Invitae Variant Classification Sherloc (09022015). Collection method: clinical testing. Allele origin: germline.
Comment: This sequence change falls in intron 9 of the BARD1 gene. It does not directly change the encoded amino acid sequence of the BARD1 protein. This variant is not present in population databases (gnomAD no frequency). This variant has not been reported in the literature in individuals affected with BARD1-related conditions. ClinVar contains an entry for this variant (Variation ID: 2033398). Studies have shown that this variant is associated with inconclusive levels of altered splicing (internal data). In summary, the available evidence is currently insufficient to determine the role of this variant in disease. Therefore, it has been classified as a Variant of Uncertain Significance.